The following is an entry in ClinVar:

ClinVar aggregate classification (germline): Uncertain significance (1 of 4 stars; one submission).

Allele frequency attached by ClinVar (database versions not stated): gnomAD exomes below 0.00001.
gnomAD v4.1: 3 of 1,613,980 alleles (0.00019%); highest among the groups gnomAD compares: Non-Finnish European, 0.00025%; no homozygotes.

Submission:

Labcorp Genetics (formerly Invitae), Labcorp
Classification: Uncertain significance. Last evaluated: 2023-01-16. Review status: criteria provided, single submitter. Criteria: Invitae Variant Classification Sherloc (09022015). Collection method: clinical testing. Allele origin: germline.
Comment: In summary, the available evidence is currently insufficient to determine the role of this variant in disease. Therefore, it has been classified as a Variant of Uncertain Significance. Algorithms developed to predict the effect of missense changes on protein structure and function are either unavailable or do not agree on the potential impact of this missense change (SIFT: "Deleterious"; PolyPhen-2: "Probably Damaging"; Align-GVGD: "Class C0"). This variant has not been reported in the literature in individuals affected with KIDINS220-related conditions. This variant is present in population databases (no rsID available, gnomAD 0.0009%). This sequence change replaces glutamic acid, which is acidic and polar, with lysine, which is basic and polar, at codon 928 of the KIDINS220 protein (p.Glu928Lys).

NM_020738.4(KIDINS220):c.2782G>A (p.Glu928Lys)

Gene: KIDINS220 (kinase D interacting substrate 220; minus strand). Cytogenetic location: 2p25.1.
Variant type: single nucleotide variant.
Coding change: c.2782G>A on transcript NM_020738.4 (MANE Select); coding-DNA position 2782, G replaced by A.
Protein change: p.Glu928Lys; replaces glutamic acid 928 with lysine.
Molecular consequence: missense variant. On other transcripts: non-coding transcript variant (2).
Genome position (GRCh38, 1-based): chr2:8,776,814, C>T on the plus strand (G>A on the coding strand, the complement: KIDINS220 is on the minus strand). VCF-style: chr2-8776814-C-T. GRCh37 (hg19) VCF-style: chr2-8916944-C-T.
Other names: c.2785G>A, p.Glu929Lys (NM_001348745.2, NM_001348729.2, NM_001348731.2 and 3 more transcripts); c.2782G>A, p.Glu928Lys (NM_001348732.2, NM_001348735.2, NM_001348738.2 and 3 more transcripts); c.2656G>A, p.Glu886Lys (NM_001348736.2); short protein forms E886K, E929K, E928K.
Identifiers: ClinVar variation 2777282 (VCV002777282.3), dbSNP rs1180138428, ClinGen allele CA345759414.
Genomic context (GRCh38, chr2:8,776,814, plus strand): 5'-CAGAAACAATATTAAGTAATCTTCTCATGGTCTGGGGACTGATGTCACTGAACCAGTCCT[C>T]GGTAACCAGCAGTTTTGTAAGATCAAAGGACATCTGGCGAGTGATGGTCCTCTGCATCTG-3'
Protein context (NP_065789.1, residues 918-938): SFDLTKLLVT[Glu928Lys]DWFSDISPQT